The following is an entry in ClinVar:

NM_001127898.4(CLCN5):c.1420G>A (p.Glu474Lys)

Gene: CLCN5 (chloride voltage-gated channel 5; plus strand). Cytogenetic location: Xp11.23.
Variant type: single nucleotide variant.
Coding change: c.1420G>A on transcript NM_001127898.4 (MANE Select); coding-DNA position 1420, G replaced by A.
Protein change: p.Glu474Lys; replaces glutamic acid 474 with lysine.
Molecular consequence: missense variant.
Genome position (GRCh38, 1-based): chrX:50,086,733, G>A. VCF-style: chrX-50086733-G-A. GRCh37 (hg19) VCF-style: chrX-49851390-G-A.
Other names: c.1210G>A, p.Glu404Lys (NM_000084.5); c.1420G>A, p.Glu474Lys (NM_001127899.4); c.1270G>A, p.Glu424Lys (NM_001282163.2); short protein forms E404K, E424K, E474K.
Identifiers: ClinVar variation 1805461 (VCV001805461.1), dbSNP rs2519434842, ClinGen allele CA413186114.

ClinVar aggregate classification (germline): Uncertain significance (1 of 4 stars; one submission).

Conditions:
X-linked recessive nephrolithiasis with renal failure (XRN). Also called: NEPHROLITHIASIS, X-LINKED RECESSIVE, TYPE 1; NEPHROLITHIASIS 1; UROLITHIASIS, X-LINKED RECESSIVE, TYPE 1. Identifiers: Orphanet 1652, Orphanet 93622, MedGen C0403720, MONDO:0010687, OMIM 310468.

Allele frequency attached by ClinVar (database versions not stated): gnomAD exomes below 0.00001.
gnomAD v4.1: 2 of 1,211,395 alleles (0.00017%); highest among the groups gnomAD compares: Non-Finnish European, 0.00022%; no homozygotes.

Submission:

Victorian Clinical Genetics Services, Murdoch Childrens Research Institute
Classification: Uncertain significance for X-linked recessive nephrolithiasis with renal failure. Last evaluated: 2022-03-31. Review status: criteria provided, single submitter. Criteria: ACMG Guidelines, 2015. Collection method: clinical testing. Allele origin: germline. Inheritance: X-linked recessive inheritance.
Comment: Based on the classification scheme VCGS_Germline_v1.3.4, this variant is classified as VUS-3C. Following criteria are met: 0102 - Loss of function is a known mechanism of disease in this gene and is associated with nephrolithiasis, type I (MIM#310468). (I) 0109 - This gene is associated with X-linked recessive disease. Dent disease (MIM#300009) is now the generally accepted name for a group of hereditary tubular disorders including X-linked recessive nephrolithiasis type I (MIM#310468), hypophosphataemic rickets (MIM#300554), and low molecular weight proteinuria with hypercalciuric nephrocalcinosis (MIM#308990) (PMID: 12637640). Dent disease (MIM#300009) mainly affects males, however female carriers may show a milder phenotype (PMID: 28580211). (I) 0115 - Variants in this gene are known to have variable expressivity. The phenotype can be variable within and between families (PMID: 28580211). (I) 0200 - Variant is predicted to result in a missense amino acid change from glutamic acid to lysine. (I) 0253 - This variant is hemizygous. (I) 0301 - Variant is absent from gnomAD (both v2 and v3). (SP) 0503 - Missense variant consistently predicted to be tolerated by multiple in silico tools or not conserved in placental mammals with a minor amino acid change. (SB) 0600 - Variant is located in the annotated voltage CLC domain. (I) 0705 - No comparable missense variants have previous evidence for pathogenicity. (I) 0807 - This variant has no previous evidence of pathogenicity. (I) 0905 - No published segregation evidence has been identified for this variant. (I) 1007 - No published functional evidence has been identified for this variant. (I) 1208 - Inheritance information for this variant is not currently available in this individual. (I) Legend: (SP) - Supporting pathogenic, (I) - Information, (SB) - Supporting benign

Literature cited by the submitters: PubMed 12637640; PubMed 28580211.